The following is an entry in ClinVar:

ClinVar aggregate classification (germline): Pathogenic (1 of 4 stars; one submission).

Submission:

CeGaT Center for Human Genetics Tuebingen
Classification: Pathogenic. Last evaluated: 2022-11-01. Review status: criteria provided, single submitter. Criteria: CeGaT Center For Human Genetics Tuebingen Variant Classification Criteria Version 2. Collection method: clinical testing. Allele origin: germline. Affected: yes. Observed: 1 variant allele.
Comment: SCN8A: PVS1, PM2

NM_001330260.2(SCN8A):c.4683_4686del (p.Phe1561fs)

Gene: SCN8A (sodium voltage-gated channel alpha subunit 8; plus strand). Cytogenetic location: 12q13.13.
Variant type: Microsatellite.
Coding change: c.4683_4686del on transcript NM_001330260.2 (MANE Select); coding-DNA positions 4683 to 4686, 4 bases deleted (TGTT; older notation c.4683_4686delTGTT).
Protein change: p.Phe1561fs; shifts the reading frame from phenylalanine 1561.
Molecular consequence: frameshift variant.
Genome position (GRCh38, 1-based): chr12:51,794,529-51,794,532, TGTT deleted; deleting any 4 consecutive bases within chr12:51,794,525-51,794,532 gives the same sequence; the c. name uses the placement nearest the transcript's 3' end. VCF-style (leftmost placement, unchanged base first): chr12-51794524-GTGTT-G. GRCh37 (hg19) VCF-style: chr12-52188308-GTGTT-G.
Other names: c.4560_4563del, p.Phe1520fs (NM_001177984.3, NM_001369788.1); c.4683_4686del, p.Phe1561fs (NM_014191.4); short protein forms F1520fs, F1561fs.
Identifiers: ClinVar variation 1879237 (VCV001879237.29), dbSNP rs2540315721, ClinGen allele CA2580615203.
Genomic context (GRCh38, chr12:51,794,524, plus strand): 5'-ATGGTGGAGACAGACACTCAAAGCAAGCAGATGGAGAACATCCTCTACTGGATTAACCTG[GTGTT>G]TGTTATCTTCTTCACCTGTGAGTGTGTGCTCAAAATGTTTGCGTTGAGGCACTACTACTT-3'